The following is an entry in ClinVar:

NM_004991.4(MECOM):c.3702G>T (p.Gln1234His)

Gene: MECOM (MDS1 and EVI1 complex locus; minus strand). Cytogenetic location: 3q26.2.
Variant type: single nucleotide variant.
Coding change: c.3702G>T on transcript NM_004991.4 (MANE Select); coding-DNA position 3702, G replaced by T.
Protein change: p.Gln1234His; replaces glutamine 1234 with histidine.
Molecular consequence: missense variant.
Genome position (GRCh38, 1-based): chr3:169,084,927, C>A on the plus strand (G>T on the coding strand, the complement: MECOM is on the minus strand). VCF-style: chr3-169084927-C-A. GRCh37 (hg19) VCF-style: chr3-168802715-C-A.
Other names: c.3333G>T, p.Gln1111His (NM_001105077.4); c.3138G>T, p.Gln1046His (NM_001105078.4, NM_001205194.2, NM_001366469.2 and 1 more transcripts); c.3114G>T, p.Gln1038His (NM_001163999.2, NM_001366470.2); c.3111G>T, p.Gln1037His (NM_001164000.2, NM_001366471.2, NM_001366472.2); c.3675G>T, p.Gln1225His (NM_001366466.2); c.3141G>T, p.Gln1047His (NM_001366467.2, NM_001366468.2); c.2703G>T, p.Gln901His (NM_001366473.2); c.2139G>T, p.Gln713His (NM_001366474.2); short protein forms Q1234H, Q713H, Q1037H, Q1046H, Q1038H, Q1047H, Q1225H, Q901H.
Identifiers: ClinVar variation 5024145 (VCV005024145.1).

ClinVar aggregate classification (germline): Uncertain significance (1 of 4 stars; one submission).

Conditions:
Inborn genetic diseases. Identifiers: MedGen C0950123, MeSH D030342.

gnomAD v4.1: 1 of 1,614,042 alleles (0.000062%); highest among the groups gnomAD compares: Non-Finnish European, 0.000085%; no homozygotes.

Submission:

Ambry Genetics
Classification: Uncertain significance for Inborn genetic diseases. Last evaluated: 2026-07-22. Review status: criteria provided, single submitter. Criteria: Ambry Variant Classification Scheme 2023. Collection method: clinical testing. Allele origin: germline.
Comment: The p.Q1234H variant (also known as c.3702G>T), located in coding exon 17 of the MECOM gene, results from a G to T substitution at nucleotide position 3702. The glutamine at codon 1234 is replaced by histidine, an amino acid with highly similar properties. This amino acid position is conserved. In addition, this alteration is predicted to be tolerated by in silico analysis. Based on the available evidence, the clinical significance of this variant remains unclear.